The following is an entry in ClinVar:

ClinVar aggregate classification (germline): Uncertain significance. Review status: criteria provided, multiple submitters, no conflicts (2 of 4 stars). 6 submissions from 6 submitters: Uncertain significance (6). Last evaluated 2026-10-01.

Conditions:
Familial cancer of breast. Also called: Hereditary breast cancer; hereditary breast carcinoma; BREAST CANCER, FAMILIAL. Identifiers: Orphanet 227535, MedGen C0346153, MONDO:0016419, OMIM 114480. Disease mechanism: loss of function.
Hereditary cancer-predisposing syndrome. Also called: Hereditary Cancer Syndrome; Neoplastic Syndromes, Hereditary; Hereditary neoplastic syndrome; Tumor predisposition. Identifiers: Orphanet 140162, MedGen C0027672, MeSH D009386, MONDO:0015356.
Ataxia-telangiectasia syndrome (AT). Also called: Ataxia-telangiectasia; Ataxia-telangiectasia, complementation group E; Ataxia telangiectasia (A-T); LOUIS-BAR SYNDROME; Ataxia-telangiectasia, complementation group D; AT, COMPLEMENTATION GROUP C. Identifiers: Orphanet 100, MedGen C0004135, MONDO:0008840, OMIM 208900.

Allele frequency attached by ClinVar (database versions not stated): TOPMed 0.00001.
gnomAD v4.1: 1 of 1,613,692 alleles (0.000062%); no homozygotes.

Submissions (6):

St. Jude Molecular Pathology, St. Jude Children's Research Hospital
Classification: Uncertain significance for Ataxia-telangiectasia syndrome. Last evaluated: 2026-10-01. Review status: criteria provided, single submitter. Criteria: St. Jude Assertion Criteria 2020. Collection method: clinical testing. Allele origin: germline.
Comment: The ATM c.2363G>A p.(Ser788Asn) missense change is absent in gnomAD v2.1.1. Th e in silico tool REVEL predicts a benign effect on protein function, but to our knowledge this prediction has not been confirmed by functional studies. To our knowledge, this variant has not been reported in individuals with ataxia telangiectasia. In sum mary, the evidence currently available is insufficient to determine the clinical significance of this variant. It has therefore been classified as of uncertain significance.

Ambry Genetics
Classification: Uncertain significance for Hereditary cancer-predisposing syndrome. Last evaluated: 2025-11-30. Review status: criteria provided, single submitter. Criteria: Ambry Variant Classification Scheme 2023. Collection method: clinical testing. Allele origin: germline.
Comment: The p.S788N variant (also known as c.2363G>A), located in coding exon 14 of the ATM gene, results from a G to A substitution at nucleotide position 2363. The serine at codon 788 is replaced by asparagine, an amino acid with highly similar properties. This amino acid position is conserved. In addition, this alteration is predicted to be tolerated by in silico analysis. Since supporting evidence is limited at this time, the clinical significance of this alteration remains unclear.

Baylor Genetics
Classification: Uncertain significance for Familial cancer of breast. Last evaluated: 2024-02-01. Review status: criteria provided, single submitter. Criteria: ACMG Guidelines, 2015. Collection method: clinical testing. Allele origin: unknown.

Women's Health and Genetics/Laboratory Corporation of America, LabCorp
Classification: Uncertain significance. Last evaluated: 2023-05-06. Review status: criteria provided, single submitter. Criteria: LabCorp Variant Classification Summary - May 2015. Collection method: clinical testing. Allele origin: germline.

Labcorp Genetics (formerly Invitae), Labcorp
Classification: Uncertain significance for Ataxia-telangiectasia syndrome. Last evaluated: 2023-04-14. Review status: criteria provided, single submitter. Criteria: Invitae Variant Classification Sherloc (09022015). Collection method: clinical testing. Allele origin: germline.
Comment: An algorithm developed to predict the effect of missense changes on protein structure and function (PolyPhen-2) suggests that this variant is likely to be tolerated. In summary, the available evidence is currently insufficient to determine the role of this variant in disease. Therefore, it has been classified as a Variant of Uncertain Significance. ClinVar contains an entry for this variant (Variation ID: 524342). This variant has not been reported in the literature in individuals affected with ATM-related conditions. This variant is not present in population databases (gnomAD no frequency). This sequence change replaces serine, which is neutral and polar, with asparagine, which is neutral and polar, at codon 788 of the ATM protein (p.Ser788Asn).

GeneDx
Classification: Uncertain significance. Last evaluated: 2023-01-24. Review status: criteria provided, single submitter. Criteria: GeneDx Variant Classification Process June 2021. Collection method: clinical testing. Allele origin: germline. Affected: yes.
Comment: Not observed at significant frequency in large population cohorts (gnomAD); In silico analysis supports that this missense variant does not alter protein structure/function; Has not been previously published as pathogenic or benign to our knowledge

NM_000051.4(ATM):c.2363G>A (p.Ser788Asn)

Gene: ATM (ATM serine/threonine kinase; plus strand). Cytogenetic location: 11q22.3.
Variant type: single nucleotide variant.
Coding change: c.2363G>A on transcript NM_000051.4 (MANE Select); coding-DNA position 2363, G replaced by A.
Protein change: p.Ser788Asn; replaces serine 788 with asparagine.
Molecular consequence: missense variant.
Genome position (GRCh38, 1-based): chr11:108,257,593, G>A. VCF-style: chr11-108257593-G-A. GRCh37 (hg19) VCF-style: chr11-108128320-G-A.
Other names: c.2363G>A, p.Ser788Asn (NM_001351834.2); short protein forms S788N.
Identifiers: ClinVar variation 524342 (VCV000524342.15), dbSNP rs1555075809, ClinGen allele CA382540329.
Genomic context (GRCh38, chr11:108,257,593, plus strand): 5'-ATGAGGAATTCAGAATTGGTTCCTTGAGAAATATGATGCAGCTATGTACACGTTGCTTGA[G>A]CAACTGTACCAAGGTAAGATTTTCTTCTTCTTGTTTTGTTTTTTGAGATAGGATCTTTCT-3'
Protein context (NP_000042.3, residues 778-798): NMMQLCTRCL[Ser788Asn]NCTKKSPNKI